The following is an entry in ClinVar:

ClinVar aggregate classification (germline): Benign/Likely benign. Review status: criteria provided, multiple submitters, no conflicts (2 of 4 stars). 4 submissions from 4 submitters: Benign (2); Likely benign (2). Last evaluated 2026-07-01.

Allele frequency attached by ClinVar (database versions not stated): 1000 Genomes Project 0.00120; 1000 Genomes Project 30x 0.00141; gnomAD 0.00312 and 0.00344; TOPMed 0.00343; gnomAD exomes 0.00350; ESP Exome Variant Server 0.00469; ExAC 0.00508.

Submissions (4):

CeGaT Center for Human Genetics Tuebingen
Classification: Likely benign. Last evaluated: 2026-07-01. Review status: criteria provided, single submitter. Criteria: CeGaT Center For Human Genetics Tuebingen Variant Classification Criteria Version 2. Collection method: clinical testing. Allele origin: germline. Affected: yes. Observed: 4 variant alleles.
Comment: FUZ: BP4, BP7, BS2

Blueprint Genetics
Classification: Likely benign. Last evaluated: 2024-11-26. Review status: criteria provided, single submitter. Criteria: ACMG Guidelines, 2015. Collection method: clinical testing. Allele origin: germline.

Labcorp Genetics (formerly Invitae), Labcorp
Classification: Benign. Last evaluated: 2019-12-31. Review status: criteria provided, single submitter. Criteria: Invitae Variant Classification Sherloc (09022015). Collection method: clinical testing. Allele origin: germline.

Breakthrough Genomics
Classification: Benign. Review status: criteria provided, single submitter. Criteria: ACMG Guidelines, 2015. Collection method: not provided. Allele origin: germline. Inheritance: Autosomal dominant inheritance. Affected: yes.

NM_025129.5(FUZ):c.945C>T (p.Pro315=)

Gene: FUZ (fuzzy planar cell polarity protein; minus strand). Cytogenetic location: 19q13.33.
Variant type: single nucleotide variant.
Coding change: c.945C>T on transcript NM_025129.5 (MANE Select); coding-DNA position 945, C replaced by T.
Protein change: p.Pro315=; no amino-acid change (proline 315 retained).
Molecular consequence: synonymous variant. On other transcripts: non-coding transcript variant (1).
Genome position (GRCh38, 1-based): chr19:49,808,587, G>A on the plus strand (C>T on the coding strand, the complement: FUZ is on the minus strand). VCF-style: chr19-49808587-G-A. GRCh37 (hg19) VCF-style: chr19-50311844-G-A.
Other names: c.837C>T, p.Pro279= (NM_001171937.2); c.945C>T, p.Pro315= (NM_001352262.2); c.795C>T, p.Pro265= (NM_001363663.1).
Identifiers: ClinVar variation 708252 (VCV000708252.30), dbSNP rs146451548, ClinGen allele CA9584281.